The following is an entry in ClinVar:

NM_001378743.1(CYLD):c.808-8A>G

Gene: CYLD (CYLD lysine 63 deubiquitinase; plus strand). Cytogenetic location: 16q12.1.
Variant type: single nucleotide variant.
Coding change: c.808-8A>G on transcript NM_001378743.1 (MANE Select); 8 bases into the intron before coding-DNA position 808, A replaced by G.
Molecular consequence: intron variant.
Genome position (GRCh38, 1-based): chr16:50,754,311, A>G. VCF-style: chr16-50754311-A-G. GRCh37 (hg19) VCF-style: chr16-50788222-A-G.
Other names: c.808-8A>G (NM_015247.3, NM_001378745.1, NM_001378744.1 and 10 more transcripts); c.142-8A>G (NM_001378754.1, NM_001378755.1).
Identifiers: ClinVar variation 511543 (VCV000511543.1), dbSNP rs1555505165, ClinGen allele CA658798604.

ClinVar aggregate classification (germline): Likely benign (1 of 4 stars; one submission).

Submission:

GeneDx
Classification: Likely benign. Last evaluated: 2017-08-18. Review status: criteria provided, single submitter. Criteria: GeneDx Variant Classification (06012015). Collection method: clinical testing. Allele origin: germline. Affected: yes.
Comment: This variant is considered likely benign or benign based on one or more of the following criteria: it is a conservative change, it occurs at a poorly conserved position in the protein, it is predicted to be benign by multiple in silico algorithms, and/or has population frequency not consistent with disease.